The following is an entry in ClinVar:

ClinVar aggregate classification (germline): Benign. Review status: criteria provided, multiple submitters, no conflicts (2 of 4 stars). 5 submissions from 4 submitters: Benign (5). Last evaluated 2023-11-12.

Conditions:
Aicardi-Goutieres syndrome 6 (AGS6). Identifiers: Orphanet 51, MedGen C3539013, MONDO:0014007, OMIM 615010.
Symmetrical dyschromatosis of extremities (DSH). Also called: DYSCHROMATOSIS SYMMETRICA HEREDITARIA 1; Dyschromatosis symmetrica hereditaria; RETICULATE ACROPIGMENTATION OF DOHI; SYMMETRIC DYSCHROMATOSIS OF THE EXTREMITIES. Identifiers: Orphanet 41, MedGen C0406775, MONDO:0007483, OMIM 127400.

Allele frequency attached by ClinVar (database versions not stated): 1000 Genomes Project 0.46106.

Submissions (5):

Unidad de Genómica Garrahan, Hospital de Pediatría Garrahan
Classification: Benign. Last evaluated: 2023-11-12. Review status: criteria provided, single submitter. Criteria: ACMG Guidelines, 2015. Collection method: clinical testing. Allele origin: germline. Affected: no. Observed: 24 variant alleles.
Comment: This variant is classified as Benign based on local population frequency. This variant was detected in 25% of patients studied by a panel of primary immunodeficiencies. Number of patients: 24. Only high quality variants are reported.

Genome-Nilou Lab
Classification: Benign for Aicardi-Goutieres syndrome 6. Last evaluated: 2021-07-14. Review status: criteria provided, single submitter. Criteria: ACMG Guidelines, 2015. Collection method: clinical testing. Allele origin: germline. Affected: no.

Genome-Nilou Lab
Classification: Benign for Symmetrical dyschromatosis of extremities. Last evaluated: 2021-07-14. Review status: criteria provided, single submitter. Criteria: ACMG Guidelines, 2015. Collection method: clinical testing. Allele origin: germline. Affected: no.

GeneDx
Classification: Benign. Last evaluated: 2018-07-05. Review status: criteria provided, single submitter. Criteria: GeneDx Variant Classification Process June 2021. Collection method: clinical testing. Allele origin: germline. Affected: yes.

Breakthrough Genomics
Classification: Benign. Review status: criteria provided, single submitter. Criteria: ACMG Guidelines, 2015. Collection method: not provided. Allele origin: germline. Inheritance: Autosomal recessive inheritance. Affected: yes.

NM_001111.5(ADAR):c.2496+35C>G

Gene: ADAR (adenosine deaminase RNA specific; minus strand). Cytogenetic location: 1q21.3.
Variant type: single nucleotide variant.
Coding change: c.2496+35C>G on transcript NM_001111.5 (MANE Select); 35 bases into the intron after coding-DNA position 2496, C replaced by G.
Molecular consequence: intron variant.
Genome position (GRCh38, 1-based): chr1:154,590,149, G>C on the plus strand (C>G on the coding strand, the complement: ADAR is on the minus strand). VCF-style: chr1-154590149-G-C. GRCh37 (hg19) VCF-style: chr1-154562625-G-C.
Other names: c.1611+35C>G (NM_001365046.1, NM_001025107.3, NM_001365048.1 and 2 more transcripts); c.2523+35C>G (NM_001365045.1); c.1533+113C>G (NM_001365049.1); c.2361+113C>G (NM_015841.4); c.2418+113C>G (NM_015840.4).
Identifiers: ClinVar variation 1188899 (VCV001188899.6), dbSNP rs7532276, ClinGen allele CA1131263.